The following is an entry in ClinVar:

NM_145064.3(STAC3):c.473G>A (p.Ser158Asn)

Gene: STAC3 (SH3 and cysteine rich domain 3; minus strand). Cytogenetic location: 12q13.3.
Variant type: single nucleotide variant.
Coding change: c.473G>A on transcript NM_145064.3 (MANE Select); coding-DNA position 473, G replaced by A.
Protein change: p.Ser158Asn; replaces serine 158 with asparagine.
Molecular consequence: missense variant. On other transcripts: 5 prime UTR variant (1), non-coding transcript variant (1).
Genome position (GRCh38, 1-based): chr12:57,248,158, C>T on the plus strand (G>A on the coding strand, the complement: STAC3 is on the minus strand). VCF-style: chr12-57248158-C-T. GRCh37 (hg19) VCF-style: chr12-57641941-C-T.
Other names: c.356G>A, p.Ser119Asn (NM_001286256.2); c.-86G>A (NM_001286257.2); short protein forms S119N, S158N.
Identifiers: ClinVar variation 646361 (VCV000646361.9), dbSNP rs1592247209, ClinGen allele CA385415360.

ClinVar aggregate classification (germline): Uncertain significance (1 of 4 stars; one submission).

Conditions:
Bailey-Bloch congenital myopathy (CMYO13). Also called: Congenital myopathy 13; STAC3 disorder; Native American myopathy. Identifiers: Orphanet 168572, MedGen C1850625, MONDO:0009722, OMIM 255995.

Allele frequency attached by ClinVar (database versions not stated): gnomAD exomes below 0.00001.
gnomAD v4.1: 4 of 1,614,086 alleles (0.00025%); highest among the groups gnomAD compares: South Asian, 0.0044%; no homozygotes.

Submission:

Labcorp Genetics (formerly Invitae), Labcorp
Classification: Uncertain significance for Bailey-Bloch congenital myopathy. Last evaluated: 2022-06-13. Review status: criteria provided, single submitter. Criteria: Invitae Variant Classification Sherloc (09022015). Collection method: clinical testing. Allele origin: germline.
Comment: This sequence change replaces serine, which is neutral and polar, with asparagine, which is neutral and polar, at codon 158 of the STAC3 protein (p.Ser158Asn). In summary, the available evidence is currently insufficient to determine the role of this variant in disease. Therefore, it has been classified as a Variant of Uncertain Significance. Algorithms developed to predict the effect of missense changes on protein structure and function (SIFT, PolyPhen-2, Align-GVGD) all suggest that this variant is likely to be tolerated. ClinVar contains an entry for this variant (Variation ID: 646361). This variant has not been reported in the literature in individuals affected with STAC3-related conditions. This variant is not present in population databases (gnomAD no frequency).